The following is an entry in ClinVar:

NM_001447.3(FAT2):c.2663G>A (p.Arg888Gln)

Gene: FAT2 (FAT atypical cadherin 2; minus strand). Cytogenetic location: 5q33.1.
Variant type: single nucleotide variant.
Coding change: c.2663G>A on transcript NM_001447.3 (MANE Select); coding-DNA position 2663, G replaced by A.
Protein change: p.Arg888Gln; replaces arginine 888 with glutamine.
Molecular consequence: missense variant.
Genome position (GRCh38, 1-based): chr5:151,566,269, C>T on the plus strand (G>A on the coding strand, the complement: FAT2 is on the minus strand). VCF-style: chr5-151566269-C-T. GRCh37 (hg19) VCF-style: chr5-150945830-C-T.
Other names: c.2663G>A (NM_001447.2); short protein forms R888Q.
Identifiers: ClinVar variation 2064451 (VCV002064451.7), dbSNP rs139981656, ClinGen allele CA3522025.
Genomic context (GRCh38, chr5:151,566,269, plus strand): 5'-ACAGAGAAGAGCTGGTGGCCTTTGCTGGGCTGATCCCTGGCCTCCACCTTGAGTATGTAC[C>T]GAGGCTCTGATTCGCGGTCCAGGTGTCCTGTAACAACCAGTTCCCCAGTGAGAGGGTGGA-3'
Protein context (NP_001438.1, residues 878-898): TGHLDRESEP[Arg888Gln]YILKVEARDQ

ClinVar aggregate classification (germline): Likely benign. Review status: criteria provided, multiple submitters, no conflicts (2 of 4 stars). 3 submissions from 3 submitters: Likely benign (2). 1 of the submissions does not count toward it. Last evaluated 2025-09-29.

Conditions:
FAT2-related disorder. Also called: FAT2-related condition.

Allele frequency attached by ClinVar (database versions not stated): gnomAD exomes 0.00006; ExAC 0.00018; ESP Exome Variant Server 0.00031; gnomAD 0.00075; TOPMed 0.00100; 1000 Genomes Project 0.00120; 1000 Genomes Project 30x 0.00125.
gnomAD v4.1: 214 of 1,614,014 alleles (0.013%); highest among the groups gnomAD compares: African/African-American, 0.22%; 1 homozygote.

Submissions (3):

Labcorp Genetics (formerly Invitae), Labcorp
Classification: Likely benign. Last evaluated: 2025-09-29. Review status: criteria provided, single submitter. Criteria: Invitae Variant Classification Sherloc (09022015). Collection method: clinical testing. Allele origin: germline.

Ambry Genetics
Classification: Likely benign. Last evaluated: 2024-01-23. Review status: criteria provided, single submitter. Criteria: Ambry Variant Classification Scheme 2023. Collection method: clinical testing. Allele origin: germline.

PreventionGenetics, part of Exact Sciences
Classification: Likely benign for FAT2-related condition. Last evaluated: 2021-02-15. Review status: no assertion criteria provided. Collection method: clinical testing. Allele origin: germline. Not counted in ClinVar's aggregate classification.
Comment: This variant is classified as likely benign based on ACMG/AMP sequence variant interpretation guidelines (Richards et al. 2015 PMID: 25741868, with internal and published modifications).